The following is an entry in ClinVar:

ClinVar aggregate classification (germline): Likely benign. Review status: criteria provided, multiple submitters, no conflicts (2 of 4 stars). 2 submissions from 2 submitters: Likely benign (2). Last evaluated 2025-11-27.

Conditions:
Charcot-Marie-Tooth disease axonal type 2C (HMSN2C). Also called: CHARCOT-MARIE-TOOTH DISEASE, AXONAL, AUTOSOMAL DOMINANT, TYPE 2C; Charcot-Marie-Tooth Neuropathy Type 2C; Charcot-Marie-Tooth Disease Type 2, TRPV4-Related (CMT2C). Identifiers: Orphanet 99937, MedGen C1853710, MONDO:0011633, OMIM 606071.

Allele frequency attached by ClinVar (database versions not stated): gnomAD 0.00001 and 0.00002; TOPMed 0.00001; gnomAD exomes 0.00002 and 0.00003; ESP Exome Variant Server 0.00008; ExAC 0.00002.
gnomAD v4.1: 37 of 1,613,842 alleles (0.0023%); highest among the groups gnomAD compares: South Asian, 0.018%; no homozygotes.

Submissions (2):

Labcorp Genetics (formerly Invitae), Labcorp
Classification: Likely benign for Charcot-Marie-Tooth disease axonal type 2C. Last evaluated: 2025-11-27. Review status: criteria provided, single submitter. Criteria: Invitae Variant Classification Sherloc (09022015). Collection method: clinical testing. Allele origin: germline.

GeneDx
Classification: Likely benign. Last evaluated: 2017-07-31. Review status: criteria provided, single submitter. Criteria: GeneDx Variant Classification (06012015). Collection method: clinical testing. Allele origin: germline. Affected: yes.
Comment: This variant is considered likely benign or benign based on one or more of the following criteria: it is a conservative change, it occurs at a poorly conserved position in the protein, it is predicted to be benign by multiple in silico algorithms, and/or has population frequency not consistent with disease.

NM_021625.5(TRPV4):c.1892-9C>T

Gene: TRPV4 (transient receptor potential cation channel subfamily V member 4; minus strand). Cytogenetic location: 12q24.11.
Variant type: single nucleotide variant.
Coding change: c.1892-9C>T on transcript NM_021625.5 (MANE Select); 9 bases into the intron before coding-DNA position 1892, C replaced by T.
Molecular consequence: intron variant.
Genome position (GRCh38, 1-based): chr12:109,788,725, G>A on the plus strand (C>T on the coding strand, the complement: TRPV4 is on the minus strand). VCF-style: chr12-109788725-G-A. GRCh37 (hg19) VCF-style: chr12-110226530-G-A.
Other names: c.1571-9C>T (NM_001177433.1); c.1751-9C>T (NM_001177428.1); c.1712-9C>T (NM_147204.2); c.1790-9C>T (NM_001177431.1).
Identifiers: ClinVar variation 511108 (VCV000511108.8), dbSNP rs376975164, ClinGen allele CA6780053.